The following is an entry in ClinVar:

NM_006206.6(PDGFRA):c.1070T>C (p.Ile357Thr)

Gene: PDGFRA (platelet derived growth factor receptor alpha; plus strand). Cytogenetic location: 4q12.
Variant type: single nucleotide variant.
Coding change: c.1070T>C on transcript NM_006206.6 (MANE Select); coding-DNA position 1070, T replaced by C.
Protein change: p.Ile357Thr; replaces isoleucine 357 with threonine.
Molecular consequence: missense variant.
Genome position (GRCh38, 1-based): chr4:54,267,690, T>C. VCF-style: chr4-54267690-T-C. GRCh37 (hg19) VCF-style: chr4-55133857-T-C.
Other names: c.1070T>C, p.Ile357Thr (NM_001347827.2, NM_001347829.2); c.1145T>C, p.Ile382Thr (NM_001347828.2); c.1109T>C, p.Ile370Thr (NM_001347830.2); short protein forms I357T, I370T, I382T.
Identifiers: ClinVar variation 458981 (VCV000458981.9), dbSNP rs1553903357, ClinGen allele CA356891730.

ClinVar aggregate classification (germline): Uncertain significance (1 of 4 stars; one submission).

Conditions:
Gastrointestinal stromal tumor. Also called: Gastrointestinal stroma tumor; Gastrointestinal stromal tumor, somatic. Identifiers: Orphanet 44890, MedGen C0238198, MeSH D046152, MONDO:0011719, OMIM 606764, HP:0100723.

Submission:

Labcorp Genetics (formerly Invitae), Labcorp
Classification: Uncertain significance for Gastrointestinal stromal tumor. Last evaluated: 2018-01-22. Review status: criteria provided, single submitter. Criteria: Invitae Variant Classification Sherloc (09022015). Collection method: clinical testing. Allele origin: germline.
Comment: This sequence change replaces isoleucine with threonine at codon 357 of the PDGFRA protein (p.Ile357Thr). The isoleucine residue is moderately conserved and there is a moderate physicochemical difference between isoleucine and threonine. This variant is not present in population databases (ExAC no frequency) and has not been reported in the literature in individuals with a PDGFRA-related disease. Algorithms developed to predict the effect of missense changes on protein structure and function output the following: (SIFT: "Tolerated"; PolyPhen-2: "Benign"; Align-GVGD: "Class C0"). The threonine amino acid residue is found in multiple mammalian species, suggesting that this missense change does not adversely affect protein function. These predictions have not been confirmed by published functional studies. In summary, this variant is a novel missense change that is not predicted to affect protein function. There is no indication that it causes disease, but the available evidence is currently insufficient to prove that conclusively. Therefore, it has been classified as a Variant of Uncertain Significance.